The following is an entry in ClinVar:

NM_001349253.2(SCN11A):c.3788T>C (p.Ile1263Thr)

Gene: SCN11A (sodium voltage-gated channel alpha subunit 11; minus strand). Cytogenetic location: 3p22.2.
Variant type: single nucleotide variant.
Coding change: c.3788T>C on transcript NM_001349253.2 (MANE Select); coding-DNA position 3788, T replaced by C.
Protein change: p.Ile1263Thr; replaces isoleucine 1263 with threonine.
Molecular consequence: missense variant.
Genome position (GRCh38, 1-based): chr3:38,870,716, A>G on the plus strand (T>C on the coding strand, the complement: SCN11A is on the minus strand). VCF-style: chr3-38870716-A-G. GRCh37 (hg19) VCF-style: chr3-38912207-A-G.
Other names: c.3788T>C, p.Ile1263Thr (NM_014139.3); short protein forms I1263T.
Identifiers: ClinVar variation 541550 (VCV000541550.8), dbSNP rs781009540, ClinGen allele CA2321704.

ClinVar aggregate classification (germline): Uncertain significance (1 of 4 stars; one submission).

Conditions:
Hereditary sensory and autonomic neuropathy type 7. Also called: Neuropathy, hereditary sensory and autonomic, type VII; HSAN VII. Identifiers: Orphanet 391397, MedGen C3809882, MONDO:0014244, OMIM 615548.
Familial episodic pain syndrome with predominantly lower limb involvement. Also called: Episodic pain syndrome, familial, 3. Identifiers: Orphanet 391384, Orphanet 391392, MedGen C3809899, MONDO:0014247, OMIM 615552.

Allele frequency attached by ClinVar (database versions not stated): gnomAD exomes below 0.00001; TOPMed below 0.00001; ExAC 0.00001; gnomAD 0.00001.
gnomAD v4.1: 6 of 1,613,552 alleles (0.00037%); highest among the groups gnomAD compares: Non-Finnish European, 0.00051%; no homozygotes.

Submission:

Labcorp Genetics (formerly Invitae), Labcorp
Classification: Uncertain significance for Familial episodic pain syndrome with predominantly lower limb involvement; Hereditary sensory and autonomic neuropathy type 7. Last evaluated: 2022-07-18. Review status: criteria provided, single submitter. Criteria: Invitae Variant Classification Sherloc (09022015). Collection method: clinical testing. Allele origin: germline.
Comment: This variant has not been reported in the literature in individuals affected with SCN11A-related conditions. In summary, the available evidence is currently insufficient to determine the role of this variant in disease. Therefore, it has been classified as a Variant of Uncertain Significance. Algorithms developed to predict the effect of missense changes on protein structure and function are either unavailable or do not agree on the potential impact of this missense change (SIFT: "Deleterious"; PolyPhen-2: "Benign"; Align-GVGD: "Class C55"). ClinVar contains an entry for this variant (Variation ID: 541550). This missense change has been observed in at least one individual who was not affected with SCN11A-related conditions (Invitae). This variant is present in population databases (rs781009540, gnomAD 0.0009%). This sequence change replaces isoleucine, which is neutral and non-polar, with threonine, which is neutral and polar, at codon 1263 of the SCN11A protein (p.Ile1263Thr).